The following is an entry in ClinVar:

NM_002582.4(PARN):c.1544G>T (p.Arg515Ile)

Gene: PARN (poly(A)-specific ribonuclease; minus strand). Cytogenetic location: 16p13.12.
Variant type: single nucleotide variant.
Coding change: c.1544G>T on transcript NM_002582.4 (MANE Select); coding-DNA position 1544, G replaced by T.
Protein change: p.Arg515Ile; replaces arginine 515 with isoleucine.
Molecular consequence: missense variant.
Genome position (GRCh38, 1-based): chr16:14,482,764, C>A on the plus strand (G>T on the coding strand, the complement: PARN is on the minus strand). VCF-style: chr16-14482764-C-A. GRCh37 (hg19) VCF-style: chr16-14576621-C-A.
Other names: c.1361G>T, p.Arg454Ile (NM_001134477.3); c.1406G>T, p.Arg469Ile (NM_001242992.2); short protein forms R454I, R469I, R515I.
Identifiers: ClinVar variation 2945756 (VCV002945756.3), dbSNP rs762840315, ClinGen allele CA7911988.

ClinVar aggregate classification (germline): Uncertain significance (1 of 4 stars; one submission).

Conditions:
Dyskeratosis congenita, autosomal recessive 6 (DKCB6). Identifiers: MedGen C4225356, MONDO:0014600, OMIM 616353.
Pulmonary fibrosis and/or bone marrow failure, Telomere-related, 4. Also called: PULMONARY FIBROSIS AND/OR BONE MARROW FAILURE SYNDROME, TELOMERE-RELATED, 4. Identifiers: Orphanet 2032, MedGen C4225347, MONDO:0014612, OMIM 616371.

Allele frequency attached by ClinVar (database versions not stated): ExAC 0.00002; gnomAD exomes 0.00003.
gnomAD v4.1: 40 of 1,613,894 alleles (0.0025%); highest among the groups gnomAD compares: Non-Finnish European, 0.0034%; no homozygotes.

Submission:

Labcorp Genetics (formerly Invitae), Labcorp
Classification: Uncertain significance for Dyskeratosis congenita, autosomal recessive 6; Pulmonary fibrosis and/or bone marrow failure, Telomere-related, 4. Last evaluated: 2023-08-11. Review status: criteria provided, single submitter. Criteria: Invitae Variant Classification Sherloc (09022015). Collection method: clinical testing. Allele origin: germline.
Comment: In summary, the available evidence is currently insufficient to determine the role of this variant in disease. Therefore, it has been classified as a Variant of Uncertain Significance. Advanced modeling of protein sequence and biophysical properties (such as structural, functional, and spatial information, amino acid conservation, physicochemical variation, residue mobility, and thermodynamic stability) performed at Invitae indicates that this missense variant is not expected to disrupt PARN protein function. This variant has not been reported in the literature in individuals affected with PARN-related conditions. This variant is present in population databases (rs762840315, gnomAD 0.002%). This sequence change replaces arginine, which is basic and polar, with isoleucine, which is neutral and non-polar, at codon 515 of the PARN protein (p.Arg515Ile).